The following is an entry in ClinVar:

ClinVar aggregate classification (germline): Uncertain significance (1 of 4 stars; one submission).

Conditions:
Inborn genetic diseases. Identifiers: MedGen C0950123, MeSH D030342.

Submission:

Ambry Genetics
Classification: Uncertain significance for Inborn genetic diseases. Last evaluated: 2024-12-21. Review status: criteria provided, single submitter. Criteria: Ambry Variant Classification Scheme 2023. Collection method: clinical testing. Allele origin: germline.
Comment: The p.A960T variant (also known as c.2878G>A), located in coding exon 16 of the RECQL4 gene, results from a G to A substitution at nucleotide position 2878. The alanine at codon 960 is replaced by threonine, an amino acid with similar properties. This amino acid position is conserved. Based on the available evidence, the clinical significance of this variant remains unclear.

NM_004260.4(RECQL4):c.2878G>A (p.Ala960Thr)

Gene: RECQL4 (RecQ like helicase 4; minus strand). Cytogenetic location: 8q24.3.
Variant type: single nucleotide variant.
Coding change: c.2878G>A on transcript NM_004260.4 (MANE Select); coding-DNA position 2878, G replaced by A.
Protein change: p.Ala960Thr; replaces alanine 960 with threonine.
Molecular consequence: missense variant. On other transcripts: non-coding transcript variant (3).
Genome position (GRCh38, 1-based): chr8:144,512,649, C>T on the plus strand (G>A on the coding strand, the complement: RECQL4 is on the minus strand). VCF-style: chr8-144512649-C-T. GRCh37 (hg19) VCF-style: chr8-145738032-C-T.
Other names: c.2584G>A, p.Ala862Thr (NM_001413017.1); c.2680G>A, p.Ala894Thr (NM_001413018.1); c.2953G>A, p.Ala985Thr (NM_001413019.1); c.2782G>A, p.Ala928Thr (NM_001413020.1); c.1807G>A, p.Ala603Thr (NM_001413021.1, NM_001413022.1, NM_001413024.1 and 4 more transcripts); c.1882G>A, p.Ala628Thr (NM_001413023.1); c.2749G>A, p.Ala917Thr (NM_001413025.1); c.1741G>A, p.Ala581Thr (NM_001413027.1, NM_001413030.1, NM_001413032.1); and 9 more; short protein forms A862T, A581T, A593T, A894T, A917T, A471T, A537T, A559T.
Identifiers: ClinVar variation 3787956 (VCV003787956.1).
Genomic context (GRCh38, chr8:144,512,649, plus strand): 5'-GCCAACAGCCCTGATTCTCCAACCTCGTCTCCAACTGGGCAGGGCGTGCTTACCTGTGGG[C>T]CAGGGCCTGGAGCTGGGCAGGGCCCCCAGGGCAGTTCAGACGGCAATGGGTATAGGTGGT-3'
Protein context (NP_004251.4, residues 950-970): PGGPAQLQAL[Ala960Thr]HRCPPLAVCL